The following is an entry in ClinVar:

ClinVar aggregate classification (germline): Uncertain significance. Review status: criteria provided, multiple submitters, no conflicts (2 of 4 stars). 2 submissions from 2 submitters: Uncertain significance (2). Last evaluated 2025-12-08.

Conditions:
Inborn genetic diseases. Identifiers: MedGen C0950123, MeSH D030342.
Congenital sideroblastic anemia-B-cell immunodeficiency-periodic fever-developmental delay syndrome. Also called: Sideroblastic anemia with B-cell immunodeficiency, periodic fevers, and developmental delay. Identifiers: Orphanet 369861, MedGen C4015172, MONDO:0014487, OMIM 616084.

Allele frequency attached by ClinVar (database versions not stated): gnomAD exomes 0.00001 and 0.00003; ExAC 0.00001.

Submissions (2):

Ambry Genetics
Classification: Uncertain significance for Inborn genetic diseases. Last evaluated: 2025-12-08. Review status: criteria provided, single submitter. Criteria: Ambry Variant Classification Scheme 2023. Collection method: clinical testing. Allele origin: germline.

Labcorp Genetics (formerly Invitae), Labcorp
Classification: Uncertain significance for Congenital sideroblastic anemia-B-cell immunodeficiency-periodic fever-developmental delay syndrome. Last evaluated: 2021-09-07. Review status: criteria provided, single submitter. Criteria: Invitae Variant Classification Sherloc (09022015). Collection method: clinical testing. Allele origin: germline.
Comment: This sequence change replaces alanine with glycine at codon 358 of the TRNT1 protein (p.Ala358Gly). The alanine residue is weakly conserved and there is a small physicochemical difference between alanine and glycine. This variant is present in population databases (rs746690923, ExAC 0.002%). This variant has not been reported in the literature in individuals affected with TRNT1-related conditions. Algorithms developed to predict the effect of missense changes on protein structure and function (SIFT, PolyPhen-2, Align-GVGD) all suggest that this variant is likely to be tolerated. In summary, the available evidence is currently insufficient to determine the role of this variant in disease. Therefore, it has been classified as a Variant of Uncertain Significance.

NM_182916.3(TRNT1):c.1073C>G (p.Ala358Gly)

Gene: TRNT1 (tRNA nucleotidyl transferase 1; plus strand). Cytogenetic location: 3p26.2.
Variant type: single nucleotide variant.
Coding change: c.1073C>G on transcript NM_182916.3 (MANE Select); coding-DNA position 1073, C replaced by G.
Protein change: p.Ala358Gly; replaces alanine 358 with glycine.
Molecular consequence: missense variant. On other transcripts: non-coding transcript variant (8).
Genome position (GRCh38, 1-based): chr3:3,147,922, C>G. VCF-style: chr3-3147922-C-G. GRCh37 (hg19) VCF-style: chr3-3189606-C-G.
Other names: c.1073C>G (NM_182916.2); c.1013C>G, p.Ala338Gly (NM_001302946.2); c.1073C>G, p.Ala358Gly (NM_001367321.1, NM_001367322.1, NM_001367323.1); short protein forms A358G, A338G.
Identifiers: ClinVar variation 1428010 (VCV001428010.4), dbSNP rs746690923, ClinGen allele CA2228890.